The following is an entry in ClinVar:

ClinVar aggregate classification (germline): Benign (0 of 4 stars; one submission).

Conditions:
DHX34-related disorder. Also called: DHX34-related condition.

Allele frequency attached by ClinVar (database versions not stated): 1000 Genomes Project 0.02097; 1000 Genomes Project 30x 0.02155; TOPMed 0.04329; gnomAD 0.04570; ExAC 0.04807; ESP Exome Variant Server 0.04882; gnomAD exomes 0.05937.

Submission:

PreventionGenetics, part of Exact Sciences
Classification: Benign for DHX34-related condition. Last evaluated: 2020-02-04. Review status: no assertion criteria provided. Collection method: clinical testing. Allele origin: germline.
Comment: This variant is classified as benign based on ACMG/AMP sequence variant interpretation guidelines (Richards et al. 2015 PMID: 25741868, with internal and published modifications).

NM_014681.6(DHX34):c.49C>T (p.Arg17Trp)

Gene: DHX34 (DExH-box helicase 34; plus strand). Cytogenetic location: 19q13.32.
Variant type: single nucleotide variant.
Coding change: c.49C>T on transcript NM_014681.6 (MANE Select); coding-DNA position 49, C replaced by T.
Protein change: p.Arg17Trp; replaces arginine 17 with tryptophan.
Molecular consequence: missense variant.
Genome position (GRCh38, 1-based): chr19:47,353,079, C>T. VCF-style: chr19-47353079-C-T. GRCh37 (hg19) VCF-style: chr19-47856336-C-T.
Other names: short protein forms R17W.
Identifiers: ClinVar variation 3056984 (VCV003056984.2), dbSNP rs12984558, ClinGen allele CA9537660.